The following is an entry in ClinVar:

NM_001127178.3(PIGG):c.164C>A (p.Ser55Tyr)

Gene: PIGG (phosphatidylinositol glycan anchor biosynthesis class G (EMM blood group); plus strand). Cytogenetic location: 4p16.3.
Variant type: single nucleotide variant.
Coding change: c.164C>A on transcript NM_001127178.3 (MANE Select); coding-DNA position 164, C replaced by A.
Protein change: p.Ser55Tyr; replaces serine 55 with tyrosine.
Molecular consequence: missense variant. On other transcripts: 5 prime UTR variant (10), non-coding transcript variant (10).
Genome position (GRCh38, 1-based): chr4:500,405, C>A. VCF-style: chr4-500405-C-A. GRCh37 (hg19) VCF-style: chr4-494194-C-A.
Other names: p.Ser55Tyr; c.-104C>A (NM_001289051.2, NM_001289053.2, NM_001289057.2 and 2 more transcripts); c.164C>A, p.Ser55Tyr (NM_001289052.2, NM_001345989.2, NM_017733.5); c.-273C>A (NM_001289055.2); c.-724C>A (NM_001345988.2); c.-1462C>A (NM_001345990.2); c.-1324C>A (NM_001345991.2); c.-1049C>A (NM_001345994.2); short protein forms S55Y.
Identifiers: ClinVar variation 445328 (VCV000445328.16), dbSNP rs34120878, ClinGen allele CA2792928.

ClinVar aggregate classification (germline): Benign/Likely benign. Review status: criteria provided, multiple submitters, no conflicts (2 of 4 stars). 5 submissions from 5 submitters: Benign (2); Likely benign (3). Last evaluated 2026-02-03.

Conditions:
Intellectual disability, autosomal recessive 53 (NEDHSCA). Also called: GLYCOSYLPHOSPHATIDYLINOSITOL BIOSYNTHESIS DEFECT 13; Mental retardation, autosomal recessive 53; NEURODEVELOPMENTAL DISORDER WITH OR WITHOUT HYPOTONIA, SEIZURES, AND CEREBELLAR ATROPHY. Identifiers: Orphanet 488635, MedGen C4310794, MONDO:0014832, OMIM 616917.

Allele frequency attached by ClinVar (database versions not stated): 1000 Genomes Project 0.01278; 1000 Genomes Project 30x 0.01280; TOPMed 0.01307; ESP Exome Variant Server 0.01415.
gnomAD v4.1: 3,330 of 1,612,718 alleles (0.21%); highest among the groups gnomAD compares: African/African-American, 3.9%; 64 homozygotes.

Submissions (5):

Labcorp Genetics (formerly Invitae), Labcorp
Classification: Benign for Intellectual disability, autosomal recessive 53. Last evaluated: 2026-02-03. Review status: criteria provided, single submitter. Criteria: Invitae Variant Classification Sherloc (09022015). Collection method: clinical testing. Allele origin: germline.

Mayo Clinic Laboratories, Mayo Clinic
Classification: Benign. Last evaluated: 2023-09-19. Review status: criteria provided, single submitter. Criteria: ACMG Guidelines, 2015. Collection method: clinical testing. Allele origin: germline. Observed: 5 variant alleles.
Comment: BS1, BS2, BP4

GeneDx
Classification: Likely benign. Last evaluated: 2021-03-23. Review status: criteria provided, single submitter. Criteria: GeneDx Variant Classification Process June 2021. Collection method: clinical testing. Allele origin: germline. Affected: yes.

Center for Pediatric Genomic Medicine, Children's Mercy Hospital and Clinics
Classification: Likely benign. Last evaluated: 2017-05-08. Review status: criteria provided, single submitter. Criteria: ACMG Guidelines, 2015. Collection method: clinical testing. Allele origin: germline.

Breakthrough Genomics
Classification: Likely benign. Review status: criteria provided, single submitter. Criteria: ACMG Guidelines, 2015. Collection method: not provided. Allele origin: germline. Inheritance: Autosomal recessive inheritance. Affected: yes.